The following is an entry in ClinVar:

ClinVar aggregate classification (germline): Uncertain significance. Review status: criteria provided, multiple submitters, no conflicts (2 of 4 stars). 2 submissions from 2 submitters: Uncertain significance (2). Last evaluated 2026-07-21.

Conditions:
ABCD3-related disorder. Also called: ABCD3-related condition.

Allele frequency attached by ClinVar (database versions not stated): gnomAD 0.00001; gnomAD exomes 0.00001; TOPMed 0.00002; ExAC 0.00004; ESP Exome Variant Server 0.00008.
gnomAD v4.1: 20 of 1,611,974 alleles (0.0012%); highest among the groups gnomAD compares: South Asian, 0.0033%; no homozygotes.

Submissions (2):

PreventionGenetics, part of Exact Sciences
Classification: Uncertain significance for ABCD3-related condition. Last evaluated: 2026-07-21. Review status: criteria provided, single submitter. Criteria: ACMG Guidelines, 2015. Collection method: clinical testing. Allele origin: germline.
Comment: The ABCD3 c.1835A>G variant is predicted to result in the amino acid substitution p.His612Arg. To our knowledge, this variant has not been reported in the literature. This variant is reported in 0.0071% of alleles in individuals of European (Non-Finnish) descent in gnomAD. At this time, the clinical significance of this variant is uncertain due to the absence of conclusive functional and genetic evidence.

Ambry Genetics
Classification: Uncertain significance. Last evaluated: 2021-09-30. Review status: criteria provided, single submitter. Criteria: Ambry Variant Classification Scheme 2023. Collection method: clinical testing. Allele origin: germline.

NM_002858.4(ABCD3):c.1835A>G (p.His612Arg)

Gene: ABCD3 (ATP binding cassette subfamily D member 3; plus strand). Cytogenetic location: 1p21.3.
Variant type: single nucleotide variant.
Coding change: c.1835A>G on transcript NM_002858.4 (MANE Select); coding-DNA position 1835, A replaced by G.
Protein change: p.His612Arg; replaces histidine 612 with arginine.
Molecular consequence: missense variant.
Genome position (GRCh38, 1-based): chr1:94,506,632, A>G. VCF-style: chr1-94506632-A-G. GRCh37 (hg19) VCF-style: chr1-94972188-A-G.
Other names: short protein forms H612R.
Identifiers: ClinVar variation 2210926 (VCV002210926.3), dbSNP rs146427496, ClinGen allele CA960562.